The following is an entry in ClinVar:

ClinVar aggregate classification (germline): Uncertain significance (1 of 4 stars; one submission).

Conditions:
Cutis laxa, X-linked (OHS). Also called: EDS IX; Occipital horn syndrome. Identifiers: Orphanet 198, MedGen C0268353, MONDO:0010572, OMIM 304150.
X-linked distal spinal muscular atrophy type 3. Also called: ATP7A-Related Distal Motor Neuropathy; SPINAL MUSCULAR ATROPHY, DISTAL, X-LINKED RECESSIVE; NEUROPATHY, DISTAL HEREDITARY MOTOR, X-LINKED; NEURONOPATHY, DISTAL HEREDITARY MOTOR, X-LINKED. Identifiers: Orphanet 139557, MedGen C1845359, MONDO:0010338, OMIM 300489.
Menkes kinky-hair syndrome (MNK). Also called: Classic Menkes Disease; Copper transport disease; Menkes Disease. Identifiers: Orphanet 565, MedGen C0022716, MONDO:0010651, OMIM 309400.

gnomAD v4.1: 6 of 1,211,058 alleles (0.0005%); highest among the groups gnomAD compares: Non-Finnish European, 0.00067%; no homozygotes.

Submission:

Labcorp Genetics (formerly Invitae), Labcorp
Classification: Uncertain significance for X-linked distal spinal muscular atrophy type 3; Cutis laxa, X-linked; Menkes kinky-hair syndrome. Last evaluated: 2022-06-03. Review status: criteria provided, single submitter. Criteria: Invitae Variant Classification Sherloc (09022015). Collection method: clinical testing. Allele origin: germline.
Comment: Advanced modeling of protein sequence and biophysical properties (such as structural, functional, and spatial information, amino acid conservation, physicochemical variation, residue mobility, and thermodynamic stability) performed at Invitae indicates that this missense variant is not expected to disrupt ATP7A protein function. In summary, the available evidence is currently insufficient to determine the role of this variant in disease. Therefore, it has been classified as a Variant of Uncertain Significance. This variant is not present in population databases (gnomAD no frequency). This sequence change replaces lysine, which is basic and polar, with glutamic acid, which is acidic and polar, at codon 633 of the ATP7A protein (p.Lys633Glu). This variant has not been reported in the literature in individuals affected with ATP7A-related conditions. ClinVar contains an entry for this variant (Variation ID: 1371596).

NM_000052.7(ATP7A):c.1897A>G (p.Lys633Glu)

Gene: ATP7A (ATPase copper transporting alpha; plus strand). Cytogenetic location: Xq21.1.
Variant type: single nucleotide variant.
Coding change: c.1897A>G on transcript NM_000052.7 (MANE Select); coding-DNA position 1897, A replaced by G.
Protein change: p.Lys633Glu; replaces lysine 633 with glutamic acid.
Molecular consequence: missense variant.
Genome position (GRCh38, 1-based): chrX:78,011,203, A>G. VCF-style: chrX-78011203-A-G. GRCh37 (hg19) VCF-style: chrX-77266700-A-G.
Other names: c.1897A>G, p.Lys633Glu (NM_001282224.2); short protein forms K633E.
Identifiers: ClinVar variation 1371596 (VCV001371596.6), dbSNP rs2149094957, ClinGen allele CA413597951.
Genomic context (GRCh38, chrX:78,011,203, plus strand): 5'-GTGAAATAATTTTTTTCTCATGAATTTCCTTAGAGCTTAGGTTTTGAAGCTTCTTTGGTC[A>G]AGAAGGATCGGTCAGCAAGTCACTTAGATCATAAACGAGAAATAAGACAGTAAGTACTTT-3'
Protein context (NP_000043.4, residues 623-643): ESLGFEASLV[Lys633Glu]KDRSASHLDH